The following is an entry in ClinVar:

ClinVar aggregate classification (germline): Uncertain significance (1 of 4 stars; one submission).

Conditions:
Hereditary cancer-predisposing syndrome. Also called: Tumor predisposition; Hereditary Cancer Syndrome; Neoplastic Syndromes, Hereditary; Hereditary neoplastic syndrome. Identifiers: Orphanet 140162, MedGen C0027672, MeSH D009386, MONDO:0015356.

Submission:

Color Diagnostics, LLC DBA Color Health
Classification: Uncertain significance for Hereditary cancer-predisposing syndrome. Last evaluated: 2025-11-11. Review status: criteria provided, single submitter. Criteria: ACMG Guidelines, 2015. Collection method: clinical testing. Allele origin: germline.
Comment: This missense variant replaces leucine with phenylalanine at codon 165 of the APC protein. Computational prediction is inconclusive regarding the impact of this variant on protein structure and function. APC is defined as a gene for which primarily truncating variants are known to cause disease (ClinGen HCCP VCEP). To our knowledge, functional studies have not been reported for this variant. This variant has not been reported in individuals affected with APC-related disorders in the literature. This variant has not been identified in the general population by the Genome Aggregation Database (gnomAD). The available evidence is insufficient to determine the role of this variant in disease conclusively. Therefore, this variant is classified as a Variant of Uncertain Significance.

NM_000038.6(APC):c.493C>T (p.Leu165Phe)

Gene: APC (APC regulator of Wnt signaling pathway; plus strand). Cytogenetic location: 5q22.2.
Variant type: single nucleotide variant.
Coding change: c.493C>T on transcript NM_000038.6 (MANE Select); coding-DNA position 493, C replaced by T.
Protein change: p.Leu165Phe; replaces leucine 165 with phenylalanine.
Molecular consequence: missense variant. On other transcripts: 5 prime UTR variant (4), non-coding transcript variant (2).
Genome position (GRCh38, 1-based): chr5:112,775,699, C>T. VCF-style: chr5-112775699-C-T. GRCh37 (hg19) VCF-style: chr5-112111396-C-T.
Other names: c.493C>T, p.Leu165Phe (NM_001127510.3, NM_001354895.2, NM_001354896.2 and 16 more transcripts); c.523C>T, p.Leu175Phe (NM_001127511.3, NM_001354897.2, NM_001354902.2 and 1 more transcripts); c.418C>T, p.Leu140Phe (NM_001354898.2, NM_001354904.2, NM_001407451.1); c.316C>T, p.Leu106Phe (NM_001354900.2, NM_001354901.2, NM_001354905.2 and 1 more transcripts); c.-543C>T (NM_001354906.2, NM_001407470.1, NM_001407471.1 and 1 more transcripts); short protein forms L106F, L140F, L165F, L175F.
Identifiers: ClinVar variation 4758288 (VCV004758288.1).